The following is an entry in ClinVar:

ClinVar aggregate classification (germline): Uncertain significance (1 of 4 stars; one submission).

gnomAD v4.1: 5 of 1,602,838 alleles (0.00031%); highest among the groups gnomAD compares: African/African-American, 0.0053%; no homozygotes.

Submission:

GeneDx
Classification: Uncertain significance. Last evaluated: 2022-12-08. Review status: criteria provided, single submitter. Criteria: GeneDx Variant Classification Process June 2021. Collection method: clinical testing. Allele origin: germline. Affected: yes.
Comment: Not observed at significant frequency in large population cohorts (gnomAD); Has not been previously published as pathogenic or benign to our knowledge; In silico analysis suggests this variant may impact gene splicing. In the absence of RNA/functional studies, the actual effect of this sequence change is unknown

NM_000334.4(SCN4A):c.2854-4G>C

Genes: GH-LCR (growth hormone locus control region; plus strand), SCN4A (sodium voltage-gated channel alpha subunit 4; minus strand). Cytogenetic location: 17q23.3.
Variant type: single nucleotide variant.
Coding change: c.2854-4G>C on transcript NM_000334.4 (MANE Select); 4 bases into the intron before coding-DNA position 2854, G replaced by C.
Molecular consequence: intron variant.
Genome position (GRCh38, 1-based): chr17:63,949,532, C>G on the plus strand (G>C on the coding strand, the complement: SCN4A is on the minus strand). VCF-style: chr17-63949532-C-G. GRCh37 (hg19) VCF-style: chr17-62026892-C-G.
Identifiers: ClinVar variation 2504830 (VCV002504830.1), dbSNP rs372220878, ClinGen allele CA8709465.